The following is an entry in ClinVar:

ClinVar aggregate classification (germline): Uncertain significance (1 of 4 stars; one submission).

Submission:

Ambry Genetics
Classification: Uncertain significance. Last evaluated: 2024-11-08. Review status: criteria provided, single submitter. Criteria: Ambry Variant Classification Scheme 2023. Collection method: clinical testing. Allele origin: germline.
Comment: The p.V421G variant (also known as c.1262T>G), located in coding exon 5 of the EGLN1 gene, results from a T to G substitution at nucleotide position 1262. The valine at codon 421 is replaced by glycine, an amino acid with dissimilar properties. This amino acid position is conserved. In addition, this alteration is predicted to be tolerated by in silico analysis. Based on the available evidence, the clinical significance of this variant remains unclear.

NM_022051.3(EGLN1):c.1262T>G (p.Val421Gly)

Gene: EGLN1 (egl-9 family hypoxia inducible factor 1; minus strand). Cytogenetic location: 1q42.2.
Variant type: single nucleotide variant.
Coding change: c.1262T>G on transcript NM_022051.3 (MANE Select); coding-DNA position 1262, T replaced by G.
Protein change: p.Val421Gly; replaces valine 421 with glycine.
Molecular consequence: missense variant. On other transcripts: 3 prime UTR variant (2).
Genome position (GRCh38, 1-based): chr1:231,366,430, A>C on the plus strand (T>G on the coding strand, the complement: EGLN1 is on the minus strand). VCF-style: chr1-231366430-A-C. GRCh37 (hg19) VCF-style: chr1-231502176-A-C.
Other names: c.*42T>G (NM_001377260.1); c.*87T>G (NM_001377261.1); short protein forms V421G.
Identifiers: ClinVar variation 3507243 (VCV003507243.1).